The following is an entry in ClinVar:

NM_000540.3(RYR1):c.14130-13del

Gene: RYR1 (ryanodine receptor 1; plus strand). Cytogenetic location: 19q13.2.
Variant type: Deletion.
Coding change: c.14130-13del on transcript NM_000540.3 (MANE Select); 13 bases into the intron before coding-DNA position 14130, one base deleted (T; older notation c.14130-13delT).
Molecular consequence: intron variant.
Genome position (GRCh38, 1-based): chr19:38,575,906, T deleted. VCF-style (leftmost placement, unchanged base first): chr19-38575905-CT-C. GRCh37 (hg19) VCF-style: chr19-39066545-CT-C.
Other names: c.14115-13del (NM_001042723.2).
Identifiers: ClinVar variation 2099086 (VCV002099086.7), dbSNP rs757965920, ClinGen allele CA060855.
Genomic context (GRCh38, chr19:38,575,905, plus strand): 5'-CTGTCGTGGCTGACAGCTCTGATCCCTCTGGCCCTAACATCTTATACTCACGCTTTCTCT[CT>C]CTCTCTCTGCAGGTCTTTCCCTAGCAACTACTGGGACAAGTTTGTCAAGCGCAAGGTGAG-3'

ClinVar aggregate classification (germline): Likely benign. Review status: criteria provided, multiple submitters, no conflicts (2 of 4 stars). 3 submissions from 3 submitters: Likely benign (3). Last evaluated 2025-04-28.

Conditions:
RYR1-related disorder. Also called: RYR1-related condition; RYR1-related disorders. Identifiers: MedGen CN239331.
Malignant hyperthermia, susceptibility to, 1 (MHS1). Also called: RYR1-Related Malignant Hyperthermia Susceptibility; Malignant hyperthermia suceptibility 1; Anesthesia related hyperthermia; Malignant hyperpyrexia; Fulminating hyperpyrexia; Pharmacogenic myopathy. Identifiers: Orphanet 423, MedGen C2930980, MONDO:0007783, OMIM 145600.

Allele frequency attached by ClinVar (database versions not stated): gnomAD exomes 0.00001; ExAC 0.00004; TOPMed 0.00012; gnomAD 0.00013.

Submissions (3):

Labcorp Genetics (formerly Invitae), Labcorp
Classification: Likely benign for RYR1-related disorder. Last evaluated: 2025-04-28. Review status: criteria provided, single submitter. Criteria: Invitae Variant Classification Sherloc (09022015). Collection method: clinical testing. Allele origin: germline.

All of Us Research Program, National Institutes of Health
Classification: Likely benign for Malignant hyperthermia, susceptibility to, 1. Last evaluated: 2024-05-30. Review status: criteria provided, single submitter. Criteria: ACMG Guidelines, 2015. Collection method: clinical testing. Allele origin: germline. Inheritance: Autosomal dominant inheritance. Observed: 6 variant alleles, 6 heterozygotes.
Comment: This study involves interpretation of variants in research participants for the purpose of population health screening. Participant phenotype was not available at the time of variant classification. Additional details can be found in publication PMID: 35346344, PMCID: PMC8962531

Color Diagnostics, LLC DBA Color Health
Classification: Likely benign for Malignant hyperthermia, susceptibility to, 1. Last evaluated: 2024-05-13. Review status: criteria provided, single submitter. Criteria: ACMG Guidelines, 2015. Collection method: clinical testing. Allele origin: germline.